The following is an entry in ClinVar:

NM_001100.4(ACTA1):c.191G>T (p.Arg64Ile)

Gene: ACTA1 (actin alpha 1, skeletal muscle; minus strand). Cytogenetic location: 1q42.13.
Variant type: single nucleotide variant.
Coding change: c.191G>T on transcript NM_001100.4 (MANE Select); coding-DNA position 191, G replaced by T.
Protein change: p.Arg64Ile; replaces arginine 64 with isoleucine.
Molecular consequence: missense variant.
Genome position (GRCh38, 1-based): chr1:229,432,819, C>A on the plus strand (G>T on the coding strand, the complement: ACTA1 is on the minus strand). VCF-style: chr1-229432819-C-A. GRCh37 (hg19) VCF-style: chr1-229568566-C-A.
Other names: short protein forms R64I.
Identifiers: ClinVar variation 1489557 (VCV001489557.8), dbSNP rs2102736399, ClinGen allele CA345150775.

ClinVar aggregate classification (germline): Uncertain significance (1 of 4 stars; one submission).

Conditions:
Actin accumulation myopathy (CMYO2A). Also called: CONGENITAL MYOPATHY 2A, TYPICAL, AUTOSOMAL DOMINANT; Nemaline myopathy type 3; Myopathy, actin, congenital, with excess of thin myofilaments; Myopathy, actin, congenital, with cores; Nemaline myopathy 3, with intranuclear rods. Identifiers: Orphanet 98904, MedGen C3711389, MONDO:0008070, OMIM 161800.

Submission:

Labcorp Genetics (formerly Invitae), Labcorp
Classification: Uncertain significance for Actin accumulation myopathy. Last evaluated: 2021-06-16. Review status: criteria provided, single submitter. Criteria: Invitae Variant Classification Sherloc (09022015). Collection method: clinical testing. Allele origin: germline.
Comment: This sequence change replaces arginine with isoleucine at codon 64 of the ACTA1 protein (p.Arg64Ile). The arginine residue is highly conserved and there is a moderate physicochemical difference between arginine and isoleucine. In summary, the available evidence is currently insufficient to determine the role of this variant in disease. Therefore, it has been classified as a Variant of Uncertain Significance. Advanced modeling of protein sequence and biophysical properties (such as structural, functional, and spatial information, amino acid conservation, physicochemical variation, residue mobility, and thermodynamic stability) performed at Invitae indicates that this missense variant is expected to disrupt ACTA1 protein function. This variant has not been reported in the literature in individuals with ACTA1-related conditions. This variant is not present in population databases (ExAC no frequency).